The following is an entry in ClinVar:

ClinVar aggregate classification (germline): Pathogenic. Review status: reviewed by expert panel (3 of 4 stars). 6 submissions from 6 submitters: Pathogenic (1). 5 of the submissions do not count toward it. Last evaluated 2016-09-08.

Conditions:
Hereditary cancer-predisposing syndrome. Also called: Tumor predisposition; Neoplastic Syndromes, Hereditary; Hereditary neoplastic syndrome; Hereditary Cancer Syndrome. Identifiers: Orphanet 140162, MedGen C0027672, MeSH D009386, MONDO:0015356.
Hereditary breast ovarian cancer syndrome. Also called: Hereditary breast and ovarian cancer; Hereditary breast and ovarian cancer syndrome (HBOC); Hereditary breast and/or ovarian cancer syndrome; Breast and ovarian cancer; Hereditary breast and ovarian cancer syndrome; BRCA1- and BRCA2-Associated Hereditary Breast and Ovarian Cancer. Identifiers: Orphanet 145, MedGen C0677776, MeSH D061325, MONDO:0003582. Disease mechanism: loss of function.
Breast-ovarian cancer, familial, susceptibility to, 2 (BROVCA2). Also called: BRCA2 Hereditary Breast and Ovarian Cancer. Identifiers: Orphanet 145, MedGen C2675520, MONDO:0012933, OMIM 612555. Disease mechanism: loss of function.

Submissions (6):

Evidence-based Network for the Interpretation of Germline Mutant Alleles (ENIGMA)
Classification: Pathogenic for Breast-ovarian cancer, familial, susceptibility to, 2. Last evaluated: 2016-09-08. Review status: reviewed by expert panel. Criteria: ENIGMA BRCA1/2 Classification Criteria (2015). Collection method: curation. Allele origin: germline.
Comment: Variant allele predicted to encode a truncated non-functional protein.

Labcorp Genetics (formerly Invitae), Labcorp
Classification: Pathogenic for Hereditary breast ovarian cancer syndrome. Last evaluated: 2025-05-05. Review status: criteria provided, single submitter. Criteria: Invitae Variant Classification Sherloc (09022015). Collection method: clinical testing. Allele origin: germline. Not counted in ClinVar's aggregate classification.
Comment: This sequence change creates a premature translational stop signal (p.Ser617*) in the BRCA2 gene. It is expected to result in an absent or disrupted protein product. Loss-of-function variants in BRCA2 are known to be pathogenic (PMID: 20104584). This variant is not present in population databases (gnomAD no frequency). This premature translational stop signal has been observed in individual(s) with breast and/or ovarian cancer (PMID: 29446198). ClinVar contains an entry for this variant (Variation ID: 37765). For these reasons, this variant has been classified as Pathogenic.

Color Diagnostics, LLC DBA Color Health
Classification: Pathogenic for Hereditary cancer-predisposing syndrome. Last evaluated: 2020-08-24. Review status: criteria provided, single submitter. Criteria: ACMG Guidelines, 2015. Collection method: clinical testing. Allele origin: germline. Not counted in ClinVar's aggregate classification.
Comment: This variant changes 1 nucleotide in exon 10 of the BRCA2 gene, creating a premature translation stop signal. This variant is expected to result in an absent or non-functional protein product. This variant has been reported in families affected with hereditary breast and/or ovarian cancer (Color internal data). This variant has not been identified in the general population by the Genome Aggregation Database (gnomAD). Loss of BRCA2 function is a known mechanism of disease. Based on the available evidence, this variant is classified as Pathogenic.

Women's Health and Genetics/Laboratory Corporation of America, LabCorp
Classification: Likely pathogenic for Hereditary breast ovarian cancer syndrome. Last evaluated: 2017-03-02. Review status: criteria provided, single submitter. Criteria: LabCorp Variant Classification Summary - May 2015. Collection method: clinical testing. Allele origin: germline. Not counted in ClinVar's aggregate classification.
Comment: Variant summary: The BRCA2 c.1850C>A (p.Ser617X) variant results in a premature termination codon, predicted to cause a truncated or absent BRCA2 protein due to nonsense mediated decay, which are commonly known mechanisms for disease. Truncations downstream of this position have been classified as pathogenic by our laboratory (e.g. c.1855C>T (p.Gln619X), c.1888dupA (p.Thr630fsX6), c.1889delC (p.Thr630fsX14), and c.1929delG (p.Arg645fsX15)). One in silico tool predicts a damaging outcome for this variant. This variant is absent in 117182 control chromosomes. In addition, multiple reputable databases classified this variant as pathogenic. The variant of interest has not, to our knowledge, been reported in affected individuals via publications; nor evaluated for functional impact by in vivo/vitro studies. Taken together, this variant is classified as likely pathogenic.

Ambry Genetics
Classification: Pathogenic for Hereditary cancer-predisposing syndrome. Last evaluated: 2015-10-01. Review status: criteria provided, single submitter. Criteria: Ambry Variant Classification Scheme 2023. Collection method: clinical testing. Allele origin: germline. Not counted in ClinVar's aggregate classification.
Comment: The p.S617* pathogenic mutation (also known as c.1850C>A or 2078C>A), located in coding exon 9 of the BRCA2 gene, results from a C to A substitution at nucleotide position 1850. This changes the amino acid from a serine to a stop codon within coding exon 9. Since premature stop codons are typically deleterious in nature, this alteration is interpreted as a disease-causing mutation (ACMG Recommendations for Standards for Interpretation and Reporting of Sequence Variations. Revision 2007. Genet Med. 2008;10:294).

Sharing Clinical Reports Project (SCRP)
Classification: Pathogenic for Breast-ovarian cancer, familial 2. Last evaluated: 2011-07-13. Review status: no assertion criteria provided. Collection method: clinical testing. Allele origin: germline. Not counted in ClinVar's aggregate classification.

Literature cited by the submitters: PubMed 20104584 (cited by Labcorp Genetics (formerly Invitae), Labcorp); PubMed 29446198 (cited by Labcorp Genetics (formerly Invitae), Labcorp).

NM_000059.4(BRCA2):c.1850C>A (p.Ser617Ter)

Gene: BRCA2 (BRCA2 DNA repair associated; plus strand). Cytogenetic location: 13q13.1.
Variant type: single nucleotide variant.
Coding change: c.1850C>A on transcript NM_000059.4 (MANE Select); coding-DNA position 1850, C replaced by A.
Protein change: p.Ser617Ter; replaces serine 617 with a stop codon.
Molecular consequence: nonsense.
Genome position (GRCh38, 1-based): chr13:32,333,328, C>A. VCF-style: chr13-32333328-C-A. GRCh37 (hg19) VCF-style: chr13-32907465-C-A.
Other names: 2078C>A; short protein forms S617*.
Identifiers: ClinVar variation 37765 (VCV000037765.21), dbSNP rs397507278, ClinGen allele CA013563.